The following is an entry in ClinVar:

NM_033109.5(PNPT1):c.1176G>A (p.Gln392=)

Gene: PNPT1 (polyribonucleotide nucleotidyltransferase 1; minus strand). Cytogenetic location: 2p16.1.
Variant type: single nucleotide variant.
Coding change: c.1176G>A on transcript NM_033109.5 (MANE Select); coding-DNA position 1176, G replaced by A.
Protein change: p.Gln392=; no amino-acid change (glutamine 392 retained).
Molecular consequence: synonymous variant.
Genome position (GRCh38, 1-based): chr2:55,666,991, C>T on the plus strand (G>A on the coding strand, the complement: PNPT1 is on the minus strand). VCF-style: chr2-55666991-C-T. GRCh37 (hg19) VCF-style: chr2-55894126-C-T.
Identifiers: ClinVar variation 5040318 (VCV005040318.1).

ClinVar aggregate classification (germline): Uncertain significance (1 of 4 stars; one submission).

Submission:

CeGaT Center for Human Genetics Tuebingen
Classification: Uncertain significance. Last evaluated: 2026-07-01. Review status: criteria provided, single submitter. Criteria: CeGaT Center For Human Genetics Tuebingen Variant Classification Criteria Version 2. Collection method: clinical testing. Allele origin: germline. Affected: yes. Observed: 1 variant allele.
Comment: PNPT1: PM2:Supporting, PP3